The following is an entry in ClinVar:

ClinVar aggregate classification (germline): Uncertain significance (1 of 4 stars; one submission).

Conditions:
Hajdu-Cheney syndrome (HJCYS). Also called: ACROOSTEOLYSIS WITH OSTEOPOROSIS AND CHANGES IN SKULL AND MANDIBLE; Acroosteolysis dominant type; SERPENTINE FIBULA-POLYCYSTIC KIDNEY SYNDROME. Identifiers: Orphanet 955, MedGen C0917715, MONDO:0007057, OMIM 102500.

Submission:

Labcorp Genetics (formerly Invitae), Labcorp
Classification: Uncertain significance for Hajdu-Cheney syndrome. Last evaluated: 2023-08-10. Review status: criteria provided, single submitter. Criteria: Invitae Variant Classification Sherloc (09022015). Collection method: clinical testing. Allele origin: germline.
Comment: Advanced modeling of protein sequence and biophysical properties (such as structural, functional, and spatial information, amino acid conservation, physicochemical variation, residue mobility, and thermodynamic stability) performed at Invitae indicates that this missense variant is expected to disrupt NOTCH2 protein function. In summary, the available evidence is currently insufficient to determine the role of this variant in disease. Therefore, it has been classified as a Variant of Uncertain Significance. This variant has not been reported in the literature in individuals affected with NOTCH2-related conditions. This variant is not present in population databases (gnomAD no frequency). This sequence change replaces aspartic acid, which is acidic and polar, with valine, which is neutral and non-polar, at codon 2048 of the NOTCH2 protein (p.Asp2048Val).

NM_024408.4(NOTCH2):c.6143A>T (p.Asp2048Val)

Gene: NOTCH2 (notch receptor 2; minus strand). Cytogenetic location: 1p12.
Variant type: single nucleotide variant.
Coding change: c.6143A>T on transcript NM_024408.4 (MANE Select); coding-DNA position 6143, A replaced by T.
Protein change: p.Asp2048Val; replaces aspartic acid 2048 with valine.
Molecular consequence: missense variant.
Genome position (GRCh38, 1-based): chr1:119,916,579, T>A on the plus strand (A>T on the coding strand, the complement: NOTCH2 is on the minus strand). VCF-style: chr1-119916579-T-A. GRCh37 (hg19) VCF-style: chr1-120459202-T-A.
Other names: short protein forms D2048V.
Identifiers: ClinVar variation 2751734 (VCV002751734.3), dbSNP rs1396463321, ClinGen allele CA341880632.
Genomic context (GRCh38, chr1:119,916,579, plus strand): 5'-GTCACATTGTATTCATCCAGAAGGCGCACAATGTCATGGTGCATGCGATCCCGAGCCACA[T>A]CCCGGGGAAGACGATCCATATGGTCTGTGATGTCTCGATTGGCAAAATGGTCTAACAGGA-3'
Protein context (NP_077719.2, residues 2038-2058): ITDHMDRLPR[Asp2048Val]VARDRMHHDI